The following is an entry in ClinVar:

ClinVar aggregate classification (germline): Pathogenic. Review status: criteria provided, multiple submitters, no conflicts (2 of 4 stars). 3 submissions from 3 submitters: Pathogenic (2). 1 of the submissions does not count toward it. Last evaluated 2023-05-05.

Conditions:
Familial adenomatous polyposis 1 (FAP1). Also called: FAMILIAL ADENOMATOUS POLYPOSIS 1, ATTENUATED; POLYPOSIS, ADENOMATOUS INTESTINAL. Identifiers: MedGen C2713442, MONDO:0021056, OMIM 175100. Disease mechanism: loss of function.

Submissions (3):

Myriad Genetics, Inc.
Classification: Pathogenic for Familial adenomatous polyposis 1. Last evaluated: 2023-05-05. Review status: criteria provided, single submitter. Criteria: Myriad Autosomal Dominant, Autosomal Recessive and X-Linked Classification Criteria (2023). Collection method: clinical testing. Allele origin: unknown.
Comment: This variant is considered pathogenic. This variant creates a frameshift predicted to result in premature protein truncation.

Labcorp Genetics (formerly Invitae), Labcorp
Classification: Pathogenic for Familial adenomatous polyposis 1. Last evaluated: 2021-08-31. Review status: criteria provided, single submitter. Criteria: Invitae Variant Classification Sherloc (09022015). Collection method: clinical testing. Allele origin: germline.

Mayo Clinic Laboratories, Mayo Clinic
Classification: Likely pathogenic. Review status: no assertion criteria provided. Collection method: research. Allele origin: unknown. Observed: 2 variant alleles. Not counted in ClinVar's aggregate classification.

NM_000038.6(APC):c.2759del (p.Asn920fs)

Gene: APC (APC regulator of Wnt signaling pathway; plus strand). Cytogenetic location: 5q22.2.
Variant type: Deletion.
Coding change: c.2759del on transcript NM_000038.6 (MANE Select); coding-DNA position 2759, one base deleted (A; older notation c.2759delA).
Protein change: p.Asn920fs; shifts the reading frame from asparagine 920.
Molecular consequence: frameshift variant.
Genome position (GRCh38, 1-based): chr5:112,838,353, A deleted; the last of 3 consecutive A bases (chr5:112,838,351-112,838,353); deleting any one gives the same sequence. VCF-style (leftmost placement, unchanged base first): chr5-112838350-GA-G. GRCh37 (hg19) VCF-style: chr5-112174047-GA-G.
Other names: c.2759del, p.Asn920fs (NM_001127510.3, NM_001354895.2); c.2705del, p.Asn902fs (NM_001127511.3); c.2813del, p.Asn938fs (NM_001354896.2); c.2789del, p.Asn930fs (NM_001354897.2); c.2684del, p.Asn895fs (NM_001354898.2); c.2675del, p.Asn892fs (NM_001354899.2); c.2636del, p.Asn879fs (NM_001354900.2); c.2582del, p.Asn861fs (NM_001354901.2); and 5 more; short protein forms N794fs, N879fs, N892fs, N938fs, N861fs, N920fs, N819fs, N829fs.
Identifiers: ClinVar variation 217953 (VCV000217953.11), dbSNP rs863225331, ClinGen allele CA279738.